The following is an entry in ClinVar:

ClinVar aggregate classification (germline): Benign/Likely benign. Review status: criteria provided, multiple submitters, no conflicts (2 of 4 stars). 2 submissions from 2 submitters: Benign (1); Likely benign (1). Last evaluated 2026-09-01.

Allele frequency attached by ClinVar (database versions not stated): TOPMed 0.00009; gnomAD 0.00010 and 0.00011; ExAC 0.00022; gnomAD exomes 0.00023; 1000 Genomes Project 30x 0.00078; 1000 Genomes Project 0.00080.
gnomAD v4.1: 177 of 1,610,130 alleles (0.011%); highest among the groups gnomAD compares: South Asian, 0.094%; 2 homozygotes.

Submissions (2):

CeGaT Center for Human Genetics Tuebingen
Classification: Likely benign. Last evaluated: 2026-09-01. Review status: criteria provided, single submitter. Criteria: CeGaT Center For Human Genetics Tuebingen Variant Classification Criteria Version 2. Collection method: clinical testing. Allele origin: germline. Affected: yes. Observed: 1 variant allele.
Comment: TBCK: BP4, BP7

Labcorp Genetics (formerly Invitae), Labcorp
Classification: Benign. Last evaluated: 2025-12-16. Review status: criteria provided, single submitter. Criteria: Invitae Variant Classification Sherloc (09022015). Collection method: clinical testing. Allele origin: germline.

NM_001163435.3(TBCK):c.2214A>G (p.Pro738=)

Gene: TBCK (TBC1 domain containing kinase; minus strand). Cytogenetic location: 4q24.
Variant type: single nucleotide variant.
Coding change: c.2214A>G on transcript NM_001163435.3 (MANE Select); coding-DNA position 2214, A replaced by G.
Protein change: p.Pro738=; no amino-acid change (proline 738 retained).
Molecular consequence: synonymous variant.
Genome position (GRCh38, 1-based): chr4:106,171,116, T>C on the plus strand (A>G on the coding strand, the complement: TBCK is on the minus strand). VCF-style: chr4-106171116-T-C. GRCh37 (hg19) VCF-style: chr4-107092273-T-C.
Other names: c.2214A>G, p.Pro738= (NM_001163436.4); c.2097A>G, p.Pro699= (NM_001163437.3); c.1698A>G, p.Pro566= (NM_001290768.2); c.2025A>G, p.Pro675= (NM_033115.5).
Identifiers: ClinVar variation 724560 (VCV000724560.10), dbSNP rs538674033, ClinGen allele CA3034774.